The following is an entry in ClinVar:

NM_014141.6(CNTNAP2):c.209-11C>T

Gene: CNTNAP2 (contactin associated protein 2; plus strand). Cytogenetic location: 7q35.
Variant type: single nucleotide variant.
Coding change: c.209-11C>T on transcript NM_014141.6 (MANE Select); 11 bases into the intron before coding-DNA position 209, C replaced by T.
Molecular consequence: intron variant.
Genome position (GRCh38, 1-based): chr7:146,839,700, C>T. VCF-style: chr7-146839700-C-T. GRCh37 (hg19) VCF-style: chr7-146536792-C-T.
Identifiers: ClinVar variation 359176 (VCV000359176.14), dbSNP rs369056998, ClinGen allele CA4545726.

ClinVar aggregate classification (germline): Conflicting classifications of pathogenicity. Review status: criteria provided, conflicting classifications (1 of 4 stars). 4 submissions from 4 submitters: Uncertain significance (1); Likely benign (3). Last evaluated 2026-01-20.

Conditions:
Cortical dysplasia-focal epilepsy syndrome (PTHSL1). Also called: Pitt-Hopkins-like syndrome 1. Identifiers: Orphanet 163681, Orphanet 221150, MedGen C2750246, MONDO:0012400, OMIM 610042.

Allele frequency attached by ClinVar (database versions not stated): TOPMed 0.00006; gnomAD 0.00013; ESP Exome Variant Server 0.00015.
gnomAD v4.1: 108 of 1,613,944 alleles (0.0067%); highest among the groups gnomAD compares: Non-Finnish European, 0.0082%; no homozygotes.

Submissions (4):

Labcorp Genetics (formerly Invitae), Labcorp
Classification: Likely benign for Cortical dysplasia-focal epilepsy syndrome. Last evaluated: 2026-01-20. Review status: criteria provided, single submitter. Criteria: Invitae Variant Classification Sherloc (09022015). Collection method: clinical testing. Allele origin: germline.

Blueprint Genetics
Classification: Likely benign. Last evaluated: 2024-05-31. Review status: criteria provided, single submitter. Criteria: ACMG Guidelines, 2015. Collection method: clinical testing. Allele origin: germline.

Illumina Laboratory Services, Illumina
Classification: Uncertain significance for Cortical dysplasia-focal epilepsy syndrome. Last evaluated: 2018-01-13. Review status: criteria provided, single submitter. Criteria: ICSL Variant Classification Criteria 13 December 2019. Collection method: clinical testing. Allele origin: germline.

GeneDx
Classification: Likely benign. Last evaluated: 2017-12-18. Review status: criteria provided, single submitter. Criteria: GeneDx Variant Classification (06012015). Collection method: clinical testing. Allele origin: germline. Affected: yes.
Comment: This variant is considered likely benign or benign based on one or more of the following criteria: it is a conservative change, it occurs at a poorly conserved position in the protein, it is predicted to be benign by multiple in silico algorithms, and/or has population frequency not consistent with disease.